The following is an entry in ClinVar:

NM_005219.5(DIAPH1):c.3478G>C (p.Glu1160Gln)

Gene: DIAPH1 (diaphanous related formin 1; minus strand). Cytogenetic location: 5q31.3.
Variant type: single nucleotide variant.
Coding change: c.3478G>C on transcript NM_005219.5 (MANE Select); coding-DNA position 3478, G replaced by C.
Protein change: p.Glu1160Gln; replaces glutamic acid 1160 with glutamine.
Molecular consequence: missense variant.
Genome position (GRCh38, 1-based): chr5:141,526,134, C>G on the plus strand (G>C on the coding strand, the complement: DIAPH1 is on the minus strand). VCF-style: chr5-141526134-C-G. GRCh37 (hg19) VCF-style: chr5-140905701-C-G.
Other names: c.3451G>C, p.Glu1151Gln (NM_001079812.3); c.3478G>C, p.Glu1160Gln (NM_001314007.2); short protein forms E1151Q, E1160Q.
Identifiers: ClinVar variation 2418987 (VCV002418987.8), dbSNP rs2513617950, ClinGen allele CA361577525.
Genomic context (GRCh38, chr5:141,526,134, plus strand): 5'-GCTTCTCTAGCCGCTCCTTCTCTGCCTTCTCCTTGGCTAGTTTTGCTCGCCTCATCTTTT[C>G]TTCTGTCTCCCGCCGCTTCTGGTTCTCCTTGACTGCTTGCTGGGGCAGGGAAGAGGAGGA-3'
Protein context (NP_005210.3, residues 1150-1170): KENQKRRETE[Glu1160Gln]KMRRAKLAKE

ClinVar aggregate classification (germline): Uncertain significance (1 of 4 stars; one submission).

Conditions:
Progressive microcephaly-seizures-cortical blindness-developmental delay syndrome. Also called: Seizures, cortical blindness, and microcephaly syndrome. Identifiers: Orphanet 477814, MedGen C5567650, MONDO:0014714, OMIM 616632.
Autosomal dominant nonsyndromic hearing loss 1. Also called: KONIGSMARK SYNDROME; DEAFNESS, AUTOSOMAL DOMINANT 1, WITH OR WITHOUT THROMBOCYTOPENIA. Identifiers: Orphanet 90635, MedGen C1852282, MONDO:0007424, OMIM 124900.

Submission:

Labcorp Genetics (formerly Invitae), Labcorp
Classification: Uncertain significance for Progressive microcephaly-seizures-cortical blindness-developmental delay syndrome; Autosomal dominant nonsyndromic hearing loss 1. Last evaluated: 2025-04-28. Review status: criteria provided, single submitter. Criteria: Invitae Variant Classification Sherloc (09022015). Collection method: clinical testing. Allele origin: germline.
Comment: This sequence change replaces glutamic acid, which is acidic and polar, with glutamine, which is neutral and polar, at codon 1160 of the DIAPH1 protein (p.Glu1160Gln). This variant is not present in population databases (gnomAD no frequency). This variant has not been reported in the literature in individuals affected with DIAPH1-related conditions. ClinVar contains an entry for this variant (Variation ID: 2418987). An algorithm developed to predict the effect of missense changes on protein structure and function (PolyPhen-2) suggests that this variant is likely to be disruptive. In summary, the available evidence is currently insufficient to determine the role of this variant in disease. Therefore, it has been classified as a Variant of Uncertain Significance.